The following is an entry in ClinVar:

ClinVar aggregate classification (germline): Uncertain significance (1 of 4 stars; one submission).

Submission:

Labcorp Genetics (formerly Invitae), Labcorp
Classification: Uncertain significance. Last evaluated: 2019-03-07. Review status: criteria provided, single submitter. Criteria: Invitae Variant Classification Sherloc (09022015). Collection method: clinical testing. Allele origin: germline.
Comment: In summary, the available evidence is currently insufficient to determine the role of this variant in disease. Therefore, it has been classified as a Variant of Uncertain Significance. Algorithms developed to predict the effect of missense changes on protein structure and function are either unavailable or do not agree on the potential impact of this missense change (SIFT: "Tolerated"; PolyPhen-2: "Probably Damaging"; Align-GVGD: "Class C0"). This variant has not been reported in the literature in individuals with TPP1-related conditions. This variant is not present in population databases (ExAC no frequency). This sequence change replaces leucine with phenylalanine at codon 159 of the TPP1 protein (p.Leu159Phe). The leucine residue is moderately conserved and there is a small physicochemical difference between leucine and phenylalanine.

NM_000391.4(TPP1):c.475C>T (p.Leu159Phe)

Gene: TPP1 (tripeptidyl peptidase 1; minus strand). Cytogenetic location: 11p15.4.
Variant type: single nucleotide variant.
Coding change: c.475C>T on transcript NM_000391.4 (MANE Select); coding-DNA position 475, C replaced by T.
Protein change: p.Leu159Phe; replaces leucine 159 with phenylalanine.
Molecular consequence: missense variant.
Genome position (GRCh38, 1-based): chr11:6,617,334, G>A on the plus strand (C>T on the coding strand, the complement: TPP1 is on the minus strand). VCF-style: chr11-6617334-G-A. GRCh37 (hg19) VCF-style: chr11-6638565-G-A.
Other names: short protein forms L159F.
Identifiers: ClinVar variation 845200 (VCV000845200.9), dbSNP rs1855602609, ClinGen allele CA379475751.